The following is an entry in ClinVar:

ClinVar aggregate classification (germline): Uncertain significance (1 of 4 stars; one submission).

Allele frequency attached by ClinVar (database versions not stated): gnomAD exomes below 0.00001.
gnomAD v4.1: 3 of 1,611,862 alleles (0.00019%); highest among the groups gnomAD compares: African/African-American, 0.0013%; no homozygotes.

Submission:

GeneDx
Classification: Uncertain significance. Last evaluated: 2023-11-20. Review status: criteria provided, single submitter. Criteria: GeneDx Variant Classification Process June 2021. Collection method: clinical testing. Allele origin: germline. Affected: yes.
Comment: Not observed at significant frequency in large population cohorts (gnomAD); In silico analysis supports that this missense variant has a deleterious effect on protein structure/function; Has not been previously published as pathogenic or benign to our knowledge

NM_020314.7(VPS35L):c.2186G>C (p.Gly729Ala)

Gene: VPS35L (VPS35 endosomal protein sorting factor like; plus strand). Cytogenetic location: 16p12.3.
Variant type: single nucleotide variant.
Coding change: c.2186G>C on transcript NM_020314.7 (MANE Select); coding-DNA position 2186, G replaced by C.
Protein change: p.Gly729Ala; replaces glycine 729 with alanine.
Molecular consequence: missense variant. On other transcripts: non-coding transcript variant (2).
Genome position (GRCh38, 1-based): chr16:19,652,055, G>C. VCF-style: chr16-19652055-G-C. GRCh37 (hg19) VCF-style: chr16-19663377-G-C.
Other names: c.1907G>C, p.Gly636Ala (NM_001300743.3); c.2108G>C, p.Gly703Ala (NM_001365293.2); c.1985G>C, p.Gly662Ala (NM_001365294.2); c.1298G>C, p.Gly433Ala (NM_001365295.2); short protein forms G433A, G636A, G662A, G703A, G729A.
Identifiers: ClinVar variation 2575811 (VCV002575811.2), dbSNP rs2507042537, ClinGen allele CA394951520.
Genomic context (GRCh38, chr16:19,652,055, plus strand): 5'-TCATCACCATCCCCTCCCTGGCGGGCATCTTCACACGTCTCAATCTCTACCTGCATTCTG[G>C]TCAGGTGGCCTTGGCCAACCAGTGCCTCTCCCAAGGTAAGTCCATCATTCTCTCATCTCG-3'
Protein context (NP_064710.5, residues 719-739): FTRLNLYLHS[Gly729Ala]QVALANQCLS